The following is an entry in ClinVar:

NM_201384.3(PLEC):c.8593_8594inv (p.Leu2865Arg)

Gene: PLEC (plectin; minus strand). Cytogenetic location: 8q24.3.
Variant type: Inversion.
Coding change: c.8593_8594inv on transcript NM_201384.3 (MANE Select).
Protein change: p.Leu2865Arg; replaces leucine 2865 with arginine.
Molecular consequence: missense variant.
Genome position: GRCh38 VCF-style: chr8-143921227-AG-CT. GRCh37 (hg19) VCF-style: chr8-144995395-AG-CT.
Other names: c.8674_8675inv, p.Leu2892Arg (NM_000445.5); c.8551_8552inv, p.Leu2851Arg (NM_201378.4); c.8527_8528inv, p.Leu2843Arg (NM_201379.3); c.9004_9005inv, p.Leu3002Arg (NM_201380.4); c.8497_8498inv, p.Leu2833Arg (NM_201381.3); c.8593_8594inv, p.Leu2865Arg (NM_201382.4); c.8605_8606inv, p.Leu2869Arg (NM_201383.3); short protein forms L2843R, L2869R, L3002R, L2892R, L2833R, L2851R, L2865R.
Identifiers: ClinVar variation 1046645 (VCV001046645.3), ClinGen allele CA2499219149.

ClinVar aggregate classification (germline): Uncertain significance (1 of 4 stars; one submission).

Conditions:
Epidermolysis bullosa simplex 5B, with muscular dystrophy (EBS5B). Also called: EPIDERMOLYSIS BULLOSA SIMPLEX AND LIMB-GIRDLE MUSCULAR DYSTROPHY; Epidermolysis bullosa simplex with muscular dystrophy. Identifiers: Orphanet 257, MedGen C2931072, MONDO:0009181, OMIM 226670.
Epidermolysis bullosa simplex 5C, with pyloric atresia (EBS5C). Also called: Epidermolysis bullosa simplex with pyloric atresia; PLEC-Related Epidermolysis Bullosa with Pyloric Atresia; PLEC1-Related Epidermolysis Bullosa with Pyloric Atresia. Identifiers: Orphanet 158684, MedGen C2677349, MONDO:0012807, OMIM 612138.
Autosomal recessive limb-girdle muscular dystrophy type 2Q (LGMDR17). Also called: MUSCULAR DYSTROPHY, LIMB-GIRDLE, AUTOSOMAL RECESSIVE 17. Identifiers: Orphanet 254361, MedGen C3150989, MONDO:0013390, OMIM 613723.
Epidermolysis bullosa simplex with nail dystrophy (EBS5D). Identifiers: MedGen C4225309, MONDO:0014661, OMIM 616487.
Epidermolysis bullosa simplex, Ogna type (EBS5A). Also called: Pidermolysis bullosa simplex 5A, Ogna type; EPIDERMOLYSIS BULLOSA SIMPLEX 5A, OGNA TYPE. Identifiers: Orphanet 79401, MedGen C0432317, MONDO:0007555, OMIM 131950.

Submission:

Labcorp Genetics (formerly Invitae), Labcorp
Classification: Uncertain significance for Autosomal recessive limb-girdle muscular dystrophy type 2Q; Epidermolysis bullosa simplex, Ogna type; Epidermolysis bullosa simplex with nail dystrophy; Epidermolysis bullosa simplex 5C, with pyloric atresia; Epidermolysis bullosa simplex 5B, with muscular dystrophy. Last evaluated: 2024-05-19. Review status: criteria provided, single submitter. Criteria: Invitae Variant Classification Sherloc (09022015). Collection method: clinical testing. Allele origin: germline.
Comment: This sequence change replaces leucine, which is neutral and non-polar, with arginine, which is basic and polar, at codon 2892 of the PLEC protein (p.Leu2892Arg). Information on the frequency of this variant in the gnomAD database is not available, as this variant may be reported differently in the database. This variant has not been reported in the literature in individuals affected with PLEC-related conditions. ClinVar contains an entry for this variant (Variation ID: 1046645). An algorithm developed to predict the effect of missense changes on protein structure and function (PolyPhen-2) suggests that this variant is likely to be disruptive. In summary, the available evidence is currently insufficient to determine the role of this variant in disease. Therefore, it has been classified as a Variant of Uncertain Significance.